The following is an entry in ClinVar:

ClinVar aggregate classification (germline): Likely benign. Review status: criteria provided, single submitter (1 of 4 stars). 2 submissions from 2 submitters: Likely benign (1). 1 of the submissions does not count toward it. Last evaluated 2024-10-30.

Conditions:
KDM1A-related disorder. Also called: KDM1A-related condition.

Allele frequency attached by ClinVar (database versions not stated): gnomAD 0.00003; TOPMed 0.00003; ExAC 0.00005; gnomAD exomes 0.00005; 1000 Genomes Project 30x 0.00016; 1000 Genomes Project 0.00020.
gnomAD v4.1: 81 of 1,614,132 alleles (0.005%); highest among the groups gnomAD compares: South Asian, 0.019%; no homozygotes.

Submissions (2):

Labcorp Genetics (formerly Invitae), Labcorp
Classification: Likely benign. Last evaluated: 2024-10-30. Review status: criteria provided, single submitter. Criteria: Invitae Variant Classification Sherloc (09022015). Collection method: clinical testing. Allele origin: germline.

PreventionGenetics, part of Exact Sciences
Classification: Likely benign for KDM1A-related condition. Last evaluated: 2019-04-22. Review status: no assertion criteria provided. Collection method: clinical testing. Allele origin: germline. Not counted in ClinVar's aggregate classification.
Comment: This variant is classified as likely benign based on ACMG/AMP sequence variant interpretation guidelines (Richards et al. 2015 PMID: 25741868, with internal and published modifications).

NM_001009999.3(KDM1A):c.1926C>T (p.Cys642=)

Gene: KDM1A (lysine demethylase 1A; plus strand). Cytogenetic location: 1p36.12.
Variant type: single nucleotide variant.
Coding change: c.1926C>T on transcript NM_001009999.3 (MANE Select); coding-DNA position 1926, C replaced by T.
Protein change: p.Cys642=; no amino-acid change (cysteine 642 retained).
Molecular consequence: synonymous variant.
Genome position (GRCh38, 1-based): chr1:23,079,048, C>T. VCF-style: chr1-23079048-C-T. GRCh37 (hg19) VCF-style: chr1-23405541-C-T.
Other names: c.1926C>T (NM_001009999.2); c.1872C>T, p.Cys624= (NM_001363654.2); c.1932C>T, p.Cys644= (NM_001410762.1); c.1854C>T, p.Cys618= (NM_001410763.1, NM_015013.4).
Identifiers: ClinVar variation 2902824 (VCV002902824.5), dbSNP rs549024936, ClinGen allele CA679865.